The following is an entry in ClinVar:

ClinVar aggregate classification (germline): Uncertain significance (1 of 4 stars; one submission).

Conditions:
Costello syndrome (CSTLO). Also called: HRAS-Related Costello Syndrome; FCS SYNDROME; FACIOCUTANEOSKELETAL SYNDROME. Identifiers: Orphanet 3071, MedGen C0587248, MONDO:0009026, OMIM 218040.

Submission:

Labcorp Genetics (formerly Invitae), Labcorp
Classification: Uncertain significance for Costello syndrome. Last evaluated: 2016-08-31. Review status: criteria provided, single submitter. Criteria: Invitae Variant Classification Sherloc (09022015). Collection method: clinical testing. Allele origin: germline.
Comment: This variant is a gross duplication of the genomic region encompassing exon 5 of the HRAS gene. The 5' boundary is likely confined to intron 4. The 3' end of this event is unknown as it extends beyond the assayed region for this gene and therefore may encompass additional genes. This variant has not been reported in the literature in individuals with a HRAS-related disease. In summary, this is a novel duplication of exon 5 of the HRAS gene. The effect of this duplication on HRAS function can not be unequivocally established. Therefore, it has been classified as a Variant of Uncertain Significance

NC_000011.9:g.(?_532631)_(532755_?)dup

Genes: LRRC56 (leucine rich repeat containing 56; plus strand), HRAS (HRas proto-oncogene, GTPase; minus strand). Cytogenetic location: 11p15.5.
Variant type: Duplication.
Identifiers: ClinVar variation 417510 (VCV000417510.1).